The following is an entry in ClinVar:

NM_001040108.2(MLH3):c.2716del (p.Arg906fs)

Gene: MLH3 (mutL homolog 3; minus strand). Cytogenetic location: 14q24.3.
Variant type: Deletion.
Coding change: c.2716del on transcript NM_001040108.2 (MANE Select); coding-DNA position 2716, one base deleted (A; older notation c.2716delA).
Protein change: p.Arg906fs; shifts the reading frame from arginine 906.
Molecular consequence: frameshift variant.
Genome position (GRCh38, 1-based): chr14:75,046,940, T deleted on the plus strand (A on the coding strand, the reverse complement: MLH3 is on the minus strand). VCF-style (leftmost placement, unchanged base first): chr14-75046939-CT-C. GRCh37 (hg19) VCF-style: chr14-75513642-CT-C.
Other names: c.2716del, p.Arg906fs (NM_014381.3); short protein forms R906fs.
Identifiers: ClinVar variation 5024608 (VCV005024608.1).

ClinVar aggregate classification (germline): Pathogenic (1 of 4 stars; one submission).

Submission:

Ambry Genetics
Classification: Pathogenic. Last evaluated: 2026-07-30. Review status: criteria provided, single submitter. Criteria: Ambry Variant Classification Scheme 2023. Collection method: clinical testing. Allele origin: germline.
Comment: The c.2716delA pathogenic mutation, located in coding exon 1 of the MLH3 gene, results from a deletion of one nucleotide at nucleotide position 2716, causing a translational frameshift with a predicted alternate stop codon (p.R906Gfs*10). This variant is considered to be rare based on population cohorts in the Genome Aggregation Database (gnomAD). This alteration is expected to result in loss of function by premature protein truncation or nonsense-mediated mRNA decay. As such, this alteration is interpreted as a disease-causing mutation.